The following is an entry in ClinVar:

ClinVar aggregate classification (germline): Uncertain significance (1 of 4 stars; one submission).

Conditions:
Hereditary cancer-predisposing syndrome. Also called: Tumor predisposition; Hereditary Cancer Syndrome; Hereditary neoplastic syndrome; Neoplastic Syndromes, Hereditary. Identifiers: Orphanet 140162, MedGen C0027672, MeSH D009386, MONDO:0015356.

gnomAD v4.1: 2 of 1,614,150 alleles (0.00012%); highest among the groups gnomAD compares: South Asian, 0.0011%; no homozygotes.

Submission:

Ambry Genetics
Classification: Uncertain significance for Hereditary cancer-predisposing syndrome. Last evaluated: 2025-11-01. Review status: criteria provided, single submitter. Criteria: Ambry Variant Classification Scheme 2023. Collection method: clinical testing. Allele origin: germline.
Comment: The p.A192T variant (also known as c.574G>A), located in coding exon 3 of the TMEM127 gene, results from a G to A substitution at nucleotide position 574. The alanine at codon 192 is replaced by threonine, an amino acid with similar properties. This amino acid position is conserved. In addition, this alteration is predicted to be deleterious by in silico analysis. Based on the available evidence, the clinical significance of this variant remains unclear.

NM_017849.4(TMEM127):c.574G>A (p.Ala192Thr)

Gene: TMEM127 (transmembrane protein 127; minus strand). Cytogenetic location: 2q11.2.
Variant type: single nucleotide variant.
Coding change: c.574G>A on transcript NM_017849.4 (MANE Select); coding-DNA position 574, G replaced by A.
Protein change: p.Ala192Thr; replaces alanine 192 with threonine.
Molecular consequence: missense variant.
Genome position (GRCh38, 1-based): chr2:96,253,951, C>T on the plus strand (G>A on the coding strand, the complement: TMEM127 is on the minus strand). VCF-style: chr2-96253951-C-T. GRCh37 (hg19) VCF-style: chr2-96919689-C-T.
Other names: c.574G>A, p.Ala192Thr (NM_001193304.3); c.322G>A, p.Ala108Thr (NM_001407282.1, NM_001407283.1); short protein forms A108T, A192T.
Identifiers: ClinVar variation 4552138 (VCV004552138.1).